The following is an entry in ClinVar:

ClinVar aggregate classification (germline): Uncertain significance (1 of 4 stars; one submission).

Conditions:
CDH23-related disorder. Also called: CDH23-related disorders; CDH23-related condition.

Allele frequency attached by ClinVar (database versions not stated): TOPMed below 0.00001; gnomAD exomes 0.00001 and 0.00002; ExAC 0.00003.
gnomAD v4.1: 20 of 1,613,750 alleles (0.0012%); highest among the groups gnomAD compares: Non-Finnish European, 0.0011%; no homozygotes.

Submission:

Labcorp Genetics (formerly Invitae), Labcorp
Classification: Uncertain significance. Last evaluated: 2021-08-31. Review status: criteria provided, single submitter. Criteria: Invitae Variant Classification Sherloc (09022015). Collection method: clinical testing. Allele origin: germline.
Comment: This sequence change replaces valine with alanine at codon 1497 of the CDH23 protein (p.Val1497Ala). The valine residue is highly conserved and there is a small physicochemical difference between valine and alanine. This variant is present in population databases (rs749978603, ExAC 0.02%). This variant has not been reported in the literature in individuals affected with CDH23-related conditions. Algorithms developed to predict the effect of missense changes on protein structure and function are either unavailable or do not agree on the potential impact of this missense change (SIFT: "Deleterious"; PolyPhen-2: "Not Available"; Align-GVGD: "Class C25"). In summary, the available evidence is currently insufficient to determine the role of this variant in disease. Therefore, it has been classified as a Variant of Uncertain Significance.

NM_022124.6(CDH23):c.4490T>C (p.Val1497Ala)

Gene: CDH23 (cadherin related 23; plus strand). Cytogenetic location: 10q22.1.
Variant type: single nucleotide variant.
Coding change: c.4490T>C on transcript NM_022124.6 (MANE Select); coding-DNA position 4490, T replaced by C.
Protein change: p.Val1497Ala; replaces valine 1497 with alanine.
Molecular consequence: missense variant.
Genome position (GRCh38, 1-based): chr10:71,740,823, T>C. VCF-style: chr10-71740823-T-C. GRCh37 (hg19) VCF-style: chr10-73500580-T-C.
Other names: short protein forms V1497A.
Identifiers: ClinVar variation 853882 (VCV000853882.5), dbSNP rs749978603, ClinGen allele CA5545073.